The following is an entry in ClinVar:

ClinVar aggregate classification (germline): Uncertain significance (1 of 4 stars; one submission).

gnomAD v4.1: 1 of 1,613,142 alleles (0.000062%); highest among the groups gnomAD compares: Non-Finnish European, 0.000085%; no homozygotes.

Submission:

GeneDx
Classification: Uncertain significance. Last evaluated: 2023-10-17. Review status: criteria provided, single submitter. Criteria: GeneDx Variant Classification Process June 2021. Collection method: clinical testing. Allele origin: germline. Affected: yes.
Comment: Not observed at significant frequency in large population cohorts (gnomAD); In silico analysis supports that this missense variant has a deleterious effect on protein structure/function; Has not been previously published as pathogenic or benign to our knowledge

NM_015465.5(GEMIN5):c.2681G>T (p.Gly894Val)

Gene: GEMIN5 (gem nuclear organelle associated protein 5; minus strand). Cytogenetic location: 5q33.2.
Variant type: single nucleotide variant.
Coding change: c.2681G>T on transcript NM_015465.5 (MANE Select); coding-DNA position 2681, G replaced by T.
Protein change: p.Gly894Val; replaces glycine 894 with valine.
Molecular consequence: missense variant.
Genome position (GRCh38, 1-based): chr5:154,903,127, C>A on the plus strand (G>T on the coding strand, the complement: GEMIN5 is on the minus strand). VCF-style: chr5-154903127-C-A. GRCh37 (hg19) VCF-style: chr5-154282687-C-A.
Other names: c.2678G>T, p.Gly893Val (NM_001252156.2); short protein forms G893V, G894V.
Identifiers: ClinVar variation 3366063 (VCV003366063.1).
Genomic context (GRCh38, chr5:154,903,127, plus strand): 5'-GGATTTGTCTCACCTTCAATATCAATCATTCTATACAGGGTAGCCCTGTCTGTGAAAAGC[C>A]CCAGATGAAATCTTTCCTCAACATCAGCAGACACATCTTCATTCAGCTCTGTTAATTTAA-3'
Protein context (NP_056280.2, residues 884-904): SADVEERFHL[Gly894Val]LFTDRATLYR